The following is an entry in ClinVar:

ClinVar aggregate classification (germline): Uncertain significance. Review status: criteria provided, multiple submitters, no conflicts (2 of 4 stars). 2 submissions from 2 submitters: Uncertain significance (2). Last evaluated 2026-04-14.

Conditions:
Progressive familial intrahepatic cholestasis type 2. Identifiers: Orphanet 79304, MedGen C3489789, MONDO:0011156, OMIM 601847.
Familial intrahepatic cholestasis. Identifiers: Orphanet 284385, MedGen CN296401, MONDO:0017290.

gnomAD v4.1: 1 of 1,613,750 alleles (0.000062%); highest among the groups gnomAD compares: Non-Finnish European, 0.000085%; no homozygotes.

Submissions (2):

Genomenon, Inc
Classification: Uncertain significance for Familial intrahepatic cholestasis. Last evaluated: 2026-04-14. Review status: criteria provided, single submitter. Criteria: Genomenon Sequence Variant Interpretation Standards - Updated. Collection method: curation. Allele origin: germline. Affected: yes.
Comment: ABCB11 p.Ser66Asn (c.197G>A) is a missense variant that changes the amino acid at residue 66 from Serine to Asparagine. This variant has been observed in at least one proband with an ABCB11-related disorder (PMID:32808743;25847299). It is absent or not present at a significant frequency in gnomAD. In conclusion, we classify ABCB11 p.Ser66Asn (c.197G>A) as a variant of uncertain significance.

Broad Center for Mendelian Genomics, Broad Institute of MIT and Harvard
Classification: Uncertain significance for Progressive familial intrahepatic cholestasis type 2. Last evaluated: 2025-02-04. Review status: criteria provided, single submitter. Criteria: ACMG Guidelines, 2015. Collection method: curation. Allele origin: germline. Inheritance: Autosomal recessive inheritance.
Comment: The p.Ser66Asn variant in ABCB11 has been reported in 2 individuals with BSEP deficiency (PMID: 27050426, 25847299), and has been identified in 0.00008% (1/1179750) of European (non-Finnish) chromosomes by the Genome Aggregation Database (gnomAD; dbSNP rs1293381473). Although this variant has been seen in the general population in a heterozygous state, its frequency is low enough to be consistent with a recessive carrier frequency. Of the 2 affected individuals, one was a compound heterozygote that carried a reported pathogenic variant with unknown phase, which increases the likelihood that the p.Ser66Asn variant is pathogenic (Variation ID: 594001; PMID: 27050426). Computational prediction tools and conservation analyses do not provide strong support for or against an impact to the protein. In summary, the clinical significance of the p.Ser66Asn variant is uncertain. ACMG/AMP Criteria applied: PM2_supporting, PM3_supporting (Richards 2015).

Literature cited by the submitters: PubMed 32808743 (cited by Genomenon, Inc); PubMed 25847299 (cited by Genomenon, Inc).

NM_003742.4(ABCB11):c.197G>A (p.Ser66Asn)

Gene: ABCB11 (ATP binding cassette subfamily B member 11; minus strand). Cytogenetic location: 2q31.1.
Variant type: single nucleotide variant.
Coding change: c.197G>A on transcript NM_003742.4 (MANE Select); coding-DNA position 197, G replaced by A.
Protein change: p.Ser66Asn; replaces serine 66 with asparagine.
Molecular consequence: missense variant.
Genome position (GRCh38, 1-based): chr2:169,013,464, C>T on the plus strand (G>A on the coding strand, the complement: ABCB11 is on the minus strand). VCF-style: chr2-169013464-C-T. GRCh37 (hg19) VCF-style: chr2-169869974-C-T.
Other names: NM_003742.4:c.197G>A; short protein forms S66N.
Identifiers: ClinVar variation 3776885 (VCV003776885.2).